The following is an entry in ClinVar:

NM_170707.4(LMNA):c.513+45T>G

Genes: LMNA (lamin A/C; plus strand), LOC126805877 (MED14-independent group 3 enhancer GRCh37_chr1:156099693-156100892; plus strand). Cytogenetic location: 1q22.
Variant type: single nucleotide variant.
Coding change: c.513+45T>G on transcript NM_170707.4 (MANE Select); 45 bases into the intron after coding-DNA position 513, T replaced by G.
Molecular consequence: intron variant.
Genome position (GRCh38, 1-based): chr1:156,130,818, T>G. VCF-style: chr1-156130818-T-G. GRCh37 (hg19) VCF-style: chr1-156100609-T-G.
Other names: c.513+45T>G (NM_001282625.2, NM_001282626.2, NM_170708.4 and 1 more transcripts); c.177+45T>G (NM_001257374.3); c.270+45T>G (NM_001282624.2).
Identifiers: ClinVar variation 236201 (VCV000236201.6), dbSNP rs878853220, ClinGen allele CA10581562.

ClinVar aggregate classification (germline): Uncertain significance. Review status: criteria provided, single submitter (1 of 4 stars). 2 submissions from 2 submitters: Uncertain significance (1). 1 of the submissions does not count toward it. Last evaluated 2023-01-22.

Conditions:
Charcot-Marie-Tooth disease type 2. Also called: Charcot-Marie-Tooth type 2. Identifiers: Orphanet 64746, MedGen C0270914, MONDO:0018993.
Emery-Dreifuss muscular dystrophy 2, autosomal dominant (EDMD2). Also called: SCAPULOILIOPERONEAL ATROPHY WITH CARDIOPATHY; Benign scapuloperoneal muscular dystrophy with cardiomyopathy; LMNA-Related Emery-Dreifuss Muscular Dystrophy, Autosomal; HAUPTMANN-THANNHAUSER MUSCULAR DYSTROPHY; MUSCULAR DYSTROPHY WITH EARLY CONTRACTURES AND CARDIOMYOPATHY, AUTOSOMAL DOMINANT; Limb-girdle muscular dystrophy, type 1B. Identifiers: Orphanet 261, Orphanet 264, MedGen C0410190, MONDO:0021569, OMIM 181350.

Submissions (2):

Labcorp Genetics (formerly Invitae), Labcorp
Classification: Uncertain significance for Charcot-Marie-Tooth disease type 2. Last evaluated: 2023-01-22. Review status: criteria provided, single submitter. Criteria: Invitae Variant Classification Sherloc (09022015). Collection method: clinical testing. Allele origin: germline.
Comment: In summary, the available evidence is currently insufficient to determine the role of this variant in disease. Therefore, it has been classified as a Variant of Uncertain Significance. Studies have shown that this variant results in the activation of a cryptic splice site in intron 2 (PMID: 27717888). ClinVar contains an entry for this variant (Variation ID: 236201). This variant has been observed in individuals with autosomal dominant LMNA-related conditions (PMID: 26573435, 27717888). It has also been observed to segregate with disease in related individuals. This variant is not present in population databases (gnomAD no frequency). This sequence change falls in intron 2 of the LMNA gene. It does not directly change the encoded amino acid sequence of the LMNA protein. RNA analysis indicates that this variant induces altered splicing and likely results in the gain of 15 amino acid residue(s), but is expected to preserve the integrity of the reading-frame.

Petrovsky National Research Centre of Surgery, The Federal Agency for Scientific Organizations
Classification: Pathogenic for Emery-Dreifuss muscular dystrophy 2, autosomal dominant. Last evaluated: 2016-04-26. Review status: no assertion criteria provided. Collection method: clinical testing. Allele origin: germline. Inheritance: Autosomal dominant inheritance. Affected: yes. Observed: 1 variant allele, 1 heterozygote. Not counted in ClinVar's aggregate classification.
Comment: This variant segregates in the family, and it was not detected in DNA samples of healthy individuals. Sequencing of the target cDNA fragment revealed the insertion between 2 and 3 exons.

Literature cited by the submitters: PubMed 27717888 (cited by Labcorp Genetics (formerly Invitae), Labcorp and Petrovsky National Research Centre of Surgery, The Federal Agency for Scientific Organizations); PubMed 26573435 (cited by Labcorp Genetics (formerly Invitae), Labcorp).